The following is an entry in ClinVar:

NM_006361.6(HOXB13):c.740G>T (p.Arg247Leu)

Gene: HOXB13 (homeobox B13; minus strand). Cytogenetic location: 17q21.32.
Variant type: single nucleotide variant.
Coding change: c.740G>T on transcript NM_006361.6 (MANE Select); coding-DNA position 740, G replaced by T.
Protein change: p.Arg247Leu; replaces arginine 247 with leucine.
Molecular consequence: missense variant.
Genome position (GRCh38, 1-based): chr17:48,726,905, C>A on the plus strand (G>T on the coding strand, the complement: HOXB13 is on the minus strand). VCF-style: chr17-48726905-C-A. GRCh37 (hg19) VCF-style: chr17-46804267-C-A.
Other names: short protein forms R247L.
Identifiers: ClinVar variation 1758784 (VCV001758784.5), dbSNP rs767502912, ClinGen allele CA400106132.

ClinVar aggregate classification (germline): Uncertain significance. Review status: criteria provided, multiple submitters, no conflicts (2 of 4 stars). 2 submissions from 2 submitters: Uncertain significance (2). Last evaluated 2023-11-25.

Conditions:
Hereditary cancer-predisposing syndrome. Also called: Neoplastic Syndromes, Hereditary; Tumor predisposition; Hereditary Cancer Syndrome; Hereditary neoplastic syndrome. Identifiers: Orphanet 140162, MedGen C0027672, MeSH D009386, MONDO:0015356.

Submissions (2):

Labcorp Genetics (formerly Invitae), Labcorp
Classification: Uncertain significance. Last evaluated: 2023-11-25. Review status: criteria provided, single submitter. Criteria: Invitae Variant Classification Sherloc (09022015). Collection method: clinical testing. Allele origin: germline.
Comment: This sequence change replaces arginine, which is basic and polar, with leucine, which is neutral and non-polar, at codon 247 of the HOXB13 protein (p.Arg247Leu). This variant is not present in population databases (gnomAD no frequency). This variant has not been reported in the literature in individuals affected with HOXB13-related conditions. ClinVar contains an entry for this variant (Variation ID: 1758784). Advanced modeling of protein sequence and biophysical properties (such as structural, functional, and spatial information, amino acid conservation, physicochemical variation, residue mobility, and thermodynamic stability) performed at Invitae indicates that this missense variant is not expected to disrupt HOXB13 protein function with a negative predictive value of 80%. In summary, the available evidence is currently insufficient to determine the role of this variant in disease. Therefore, it has been classified as a Variant of Uncertain Significance.

Ambry Genetics
Classification: Uncertain significance for Hereditary cancer-predisposing syndrome. Last evaluated: 2022-01-29. Review status: criteria provided, single submitter. Criteria: Ambry Variant Classification Scheme 2023. Collection method: clinical testing. Allele origin: germline.
Comment: The p.R247L variant (also known as c.740G>T), located in coding exon 2 of the HOXB13 gene, results from a G to T substitution at nucleotide position 740. The arginine at codon 247 is replaced by leucine, an amino acid with dissimilar properties. This amino acid position is conserved. In addition, this alteration is predicted to be deleterious by in silico analysis. Since supporting evidence is limited at this time, the clinical significance of this alteration remains unclear.